The following is an entry in ClinVar:

NM_001033855.3(DCLRE1C):c.*4T>C

Gene: DCLRE1C (DNA cross-link repair 1C; minus strand). Cytogenetic location: 10p13.
Variant type: single nucleotide variant.
Coding change: c.*4T>C on transcript NM_001033855.3 (MANE Select); 4 bases downstream of the stop codon, T replaced by C.
Molecular consequence: 3 prime UTR variant. On other transcripts: non-coding transcript variant (3), intron variant (3).
Genome position (GRCh38, 1-based): chr10:14,908,404, A>G on the plus strand (T>C on the coding strand, the complement: DCLRE1C is on the minus strand). VCF-style: chr10-14908404-A-G. GRCh37 (hg19) VCF-style: chr10-14950403-A-G.
Other names: c.*4T>C (NM_001033857.3, NM_001033858.3, NM_001289076.2 and 4 more transcripts); c.1437+301T>C (NM_001350966.2); c.1782+301T>C (NM_001350965.2); c.1422+301T>C (NM_001350967.2).
Identifiers: ClinVar variation 384912 (VCV000384912.4), dbSNP rs377639023, ClinGen allele CA5416336.

ClinVar aggregate classification (germline): Benign/Likely benign. Review status: criteria provided, multiple submitters, no conflicts (2 of 4 stars). 3 submissions from 3 submitters: Benign (1); Likely benign (2). Last evaluated 2026-05-06.

Allele frequency attached by ClinVar (database versions not stated): TOPMed 0.00133; 1000 Genomes Project 0.00180; ESP Exome Variant Server 0.00185; 1000 Genomes Project 30x 0.00187; gnomAD exomes 0.00010 and 0.00035; ExAC 0.00041; gnomAD 0.00101 and 0.00109.
gnomAD v4.1: 309 of 1,611,478 alleles (0.019%); highest among the groups gnomAD compares: African/African-American, 0.34%; 1 homozygote.

Submissions (3):

Women's Health and Genetics/Laboratory Corporation of America, LabCorp
Classification: Benign. Last evaluated: 2026-05-06. Review status: criteria provided, single submitter. Criteria: LabCorp Variant Classification Summary - May 2015. Collection method: clinical testing. Allele origin: germline.
Comment: Variant summary: DCLRE1C c.*4T>C is located in the untranslated mRNA region downstream of the termination codon. The variant allele was found at a frequency of 0.00035 in 251036 control chromosomes, predominantly at a frequency of 0.0046 within the African or African-American subpopulation in the gnomAD database. The observed variant frequency within African or African-American control individuals in the gnomAD database exceeds the estimated maximal expected allele frequency for disease-causing variants in DCLRE1C. To our knowledge, no occurrence of c.*4T>C in individuals affected with DCLRE1C-related conditions and no experimental evidence demonstrating its impact on protein function have been reported. ClinVar contains an entry for this variant (Variation ID: 384912). Based on the evidence outlined above, the variant was classified as benign.

Blueprint Genetics
Classification: Likely benign. Last evaluated: 2024-11-14. Review status: criteria provided, single submitter. Criteria: ACMG Guidelines, 2015. Collection method: clinical testing. Allele origin: germline.

GeneDx
Classification: Likely benign. Last evaluated: 2016-03-22. Review status: criteria provided, single submitter. Criteria: GeneDx Variant Classification (06012015). Collection method: clinical testing. Allele origin: germline. Affected: yes.
Comment: This variant is considered likely benign or benign based on one or more of the following criteria: it is a conservative change, it occurs at a poorly conserved position in the protein, it is predicted to be benign by multiple in silico algorithms, and/or has population frequency not consistent with disease.